The following is an entry in ClinVar:

ClinVar aggregate classification (germline): Uncertain significance (1 of 4 stars; one submission).

Conditions:
Agammaglobulinemia 4, autosomal recessive (AGM4). Also called: AGAMMAGLOBULINEMIA, AUTOSOMAL RECESSIVE, DUE TO BLNK DEFECT; B cell linker protein deficiency. Identifiers: MedGen C3150752, MONDO:0013289, OMIM 613502.

Allele frequency attached by ClinVar (database versions not stated): gnomAD exomes below 0.00001; ExAC 0.00001; gnomAD 0.00001; TOPMed 0.00001.
gnomAD v4.1: 4 of 1,613,438 alleles (0.00025%); highest among the groups gnomAD compares: Non-Finnish European, 0.00034%; no homozygotes.

Submission:

Labcorp Genetics (formerly Invitae), Labcorp
Classification: Uncertain significance for Agammaglobulinemia 4, autosomal recessive. Last evaluated: 2021-12-27. Review status: criteria provided, single submitter. Criteria: Invitae Variant Classification Sherloc (09022015). Collection method: clinical testing. Allele origin: germline.
Comment: This sequence change falls in intron 16 of the BLNK gene. It does not directly change the encoded amino acid sequence of the BLNK protein. It affects a nucleotide within the consensus splice site. This variant is present in population databases (rs781958148, gnomAD 0.002%). This variant has not been reported in the literature in individuals affected with BLNK-related conditions. Variants that disrupt the consensus splice site are a relatively common cause of aberrant splicing (PMID: 17576681, 9536098). Algorithms developed to predict the effect of sequence changes on RNA splicing suggest that this variant is not likely to affect RNA splicing. In summary, the available evidence is currently insufficient to determine the role of this variant in disease. Therefore, it has been classified as a Variant of Uncertain Significance.

Literature cited by the submitters: PubMed 17576681; PubMed 9536098.

NM_013314.4(BLNK):c.1252-3T>C

Genes: BLNK (B cell linker; minus strand), ZNF518A (zinc finger protein 518A; plus strand). Cytogenetic location: 10q24.1.
Variant type: single nucleotide variant.
Coding change: c.1252-3T>C on transcript NM_013314.4 (MANE Select); 3 bases into the intron before coding-DNA position 1252, T replaced by C.
Molecular consequence: intron variant.
Genome position (GRCh38, 1-based): chr10:96,192,095, A>G on the plus strand (T>C on the coding strand, the complement: BLNK is on the minus strand). VCF-style: chr10-96192095-A-G. GRCh37 (hg19) VCF-style: chr10-97951851-A-G.
Other names: c.781-3T>C (NM_001258442.2); c.1027-3T>C (NM_001258441.2); c.1183-3T>C (NM_001114094.2); c.1096-3T>C (NM_001258440.2).
Identifiers: ClinVar variation 2178962 (VCV002178962.1), dbSNP rs781958148, ClinGen allele CA5623139.